The following is an entry in ClinVar:

NM_000540.3(RYR1):c.8772G>A (p.Gln2924=)

Gene: RYR1 (ryanodine receptor 1; plus strand). Cytogenetic location: 19q13.2.
Variant type: single nucleotide variant.
Coding change: c.8772G>A on transcript NM_000540.3 (MANE Select); coding-DNA position 8772, G replaced by A.
Protein change: p.Gln2924=; no amino-acid change (glutamine 2924 retained).
Molecular consequence: synonymous variant.
Genome position (GRCh38, 1-based): chr19:38,506,908, G>A. VCF-style: chr19-38506908-G-A. GRCh37 (hg19) VCF-style: chr19-38997548-G-A.
Other names: c.8772G>A, p.Gln2924= (NM_001042723.2).
Identifiers: ClinVar variation 2051514 (VCV002051514.6), dbSNP rs754768762, ClinGen allele CA072699.
Genomic context (GRCh38, chr19:38,506,908, plus strand): 5'-GCTGGTCCCCTACGACACGCTCACGGCCAAGGAGAAGGCACGAGATCGAGAGAAGGCCCA[G>A]GAGCTACTGAAATTCCTGCAGATGAATGGCTACGCGGTTACAAGGCACGCGGGTTGGGGC-3'
Protein context (NP_000531.2, residues 2914-2934): KEKARDREKA[Gln2924=]ELLKFLQMNG

ClinVar aggregate classification (germline): Likely benign. Review status: criteria provided, multiple submitters, no conflicts (2 of 4 stars). 3 submissions from 3 submitters: Likely benign (3). Last evaluated 2025-10-02.

Conditions:
Malignant hyperthermia, susceptibility to, 1 (MHS1). Also called: Anesthesia related hyperthermia; Malignant hyperpyrexia; Fulminating hyperpyrexia; Pharmacogenic myopathy; RYR1-Related Malignant Hyperthermia Susceptibility; Malignant hyperthermia suceptibility 1. Identifiers: Orphanet 423, MedGen C2930980, MONDO:0007783, OMIM 145600.
RYR1-related disorder. Also called: RYR1-related condition; RYR1-related disorders. Identifiers: MedGen CN239331.

Allele frequency attached by ClinVar (database versions not stated): gnomAD exomes below 0.00001; ExAC 0.00002; TOPMed 0.00003; gnomAD 0.00004.
gnomAD v4.1: 12 of 1,613,144 alleles (0.00074%); highest among the groups gnomAD compares: African/African-American, 0.015%; no homozygotes.

Submissions (3):

Labcorp Genetics (formerly Invitae), Labcorp
Classification: Likely benign for RYR1-related disorder. Last evaluated: 2025-10-02. Review status: criteria provided, single submitter. Criteria: Invitae Variant Classification Sherloc (09022015). Collection method: clinical testing. Allele origin: germline.

All of Us Research Program, National Institutes of Health
Classification: Likely benign for Malignant hyperthermia, susceptibility to, 1. Last evaluated: 2023-08-23. Review status: criteria provided, single submitter. Criteria: ACMG Guidelines, 2015. Collection method: clinical testing. Allele origin: germline. Inheritance: Autosomal dominant inheritance. Observed: 2 variant alleles, 2 heterozygotes.
Comment: This study involves interpretation of variants in research participants for the purpose of population health screening. Participant phenotype was not available at the time of variant classification. Additional details can be found in publication PMID: 35346344, PMCID: PMC8962531

Color Diagnostics, LLC DBA Color Health
Classification: Likely benign for Malignant hyperthermia, susceptibility to, 1. Last evaluated: 2022-11-06. Review status: criteria provided, single submitter. Criteria: ACMG Guidelines, 2015. Collection method: clinical testing. Allele origin: germline.